The following is an entry in ClinVar:

ClinVar aggregate classification (germline): Conflicting classifications of pathogenicity. Review status: criteria provided, conflicting classifications (1 of 4 stars). 2 submissions from 2 submitters: Uncertain significance (1); Likely benign (1). Last evaluated 2024-08-28.

Conditions:
Autism spectrum disorder. Also called: Autism spectrum disorders. Identifiers: MedGen C1510586, MeSH D000067877, MONDO:0005258.

Allele frequency attached by ClinVar (database versions not stated): gnomAD exomes below 0.00001; gnomAD 0.00001; TOPMed 0.00001.
gnomAD v4.1: 28 of 1,614,082 alleles (0.0017%); highest among the groups gnomAD compares: Non-Finnish European, 0.0022%; no homozygotes.

Submissions (2):

Labcorp Genetics (formerly Invitae), Labcorp
Classification: Uncertain significance. Last evaluated: 2024-08-28. Review status: criteria provided, single submitter. Criteria: Invitae Variant Classification Sherloc (09022015). Collection method: clinical testing. Allele origin: germline.
Comment: This sequence change replaces proline, which is neutral and non-polar, with leucine, which is neutral and non-polar, at codon 48 of the SRCAP protein (p.Pro48Leu). This variant is present in population databases (no rsID available, gnomAD 0.0009%). This variant has not been reported in the literature in individuals affected with SRCAP-related conditions. ClinVar contains an entry for this variant (Variation ID: 1376983). Invitae Evidence Modeling of protein sequence and biophysical properties (such as structural, functional, and spatial information, amino acid conservation, physicochemical variation, residue mobility, and thermodynamic stability) indicates that this missense variant is not expected to disrupt SRCAP protein function with a negative predictive value of 80%. In summary, the available evidence is currently insufficient to determine the role of this variant in disease. Therefore, it has been classified as a Variant of Uncertain Significance.

Department of Genetics, Rouen University Hospital, Normandy Center for Genomic and Personalized Medicine
Classification: Likely benign for Autism spectrum disorder. Last evaluated: 2022-08-08. Review status: criteria provided, single submitter. Criteria: ACMG Guidelines, 2015. Collection method: clinical testing. Allele origin: maternal. Affected: yes.

NM_006662.3(SRCAP):c.143C>T (p.Pro48Leu)

Gene: SRCAP (Snf2 related CREBBP activator protein; plus strand). Cytogenetic location: 16p11.2.
Variant type: single nucleotide variant.
Coding change: c.143C>T on transcript NM_006662.3 (MANE Select); coding-DNA position 143, C replaced by T.
Protein change: p.Pro48Leu; replaces proline 48 with leucine.
Molecular consequence: missense variant.
Genome position (GRCh38, 1-based): chr16:30,704,152, C>T. VCF-style: chr16-30704152-C-T. GRCh37 (hg19) VCF-style: chr16-30715473-C-T.
Other names: short protein forms P48L.
Identifiers: ClinVar variation 1376983 (VCV001376983.7), dbSNP rs1170509653, ClinGen allele CA395596705.